The following is an entry in ClinVar:

ClinVar aggregate classification (germline): Uncertain significance (1 of 4 stars; one submission).

Conditions:
Hereditary cancer-predisposing syndrome. Also called: Neoplastic Syndromes, Hereditary; Tumor predisposition; Hereditary neoplastic syndrome; Hereditary Cancer Syndrome. Identifiers: Orphanet 140162, MedGen C0027672, MeSH D009386, MONDO:0015356.

Submission:

Ambry Genetics
Classification: Uncertain significance for Hereditary cancer-predisposing syndrome. Last evaluated: 2025-03-28. Review status: criteria provided, single submitter. Criteria: Ambry Variant Classification Scheme 2023. Collection method: clinical testing. Allele origin: germline.
Comment: The p.K829T variant (also known as c.2486A>C), located in coding exon 14 of the ALK gene, results from an A to C substitution at nucleotide position 2486. The lysine at codon 829 is replaced by threonine, an amino acid with similar properties. This amino acid position is conserved. In addition, the in silico prediction for this alteration is inconclusive. Based on the available evidence, the clinical significance of this variant remains unclear.

NM_004304.5(ALK):c.2486A>C (p.Lys829Thr)

Gene: ALK (ALK receptor tyrosine kinase; minus strand). Cytogenetic location: 2p23.2.
Variant type: single nucleotide variant.
Coding change: c.2486A>C on transcript NM_004304.5 (MANE Select); coding-DNA position 2486, A replaced by C.
Protein change: p.Lys829Thr; replaces lysine 829 with threonine.
Molecular consequence: missense variant.
Genome position (GRCh38, 1-based): chr2:29,233,566, T>G on the plus strand (A>C on the coding strand, the complement: ALK is on the minus strand). VCF-style: chr2-29233566-T-G. GRCh37 (hg19) VCF-style: chr2-29456432-T-G.
Other names: short protein forms K829T.
Identifiers: ClinVar variation 4040428 (VCV004040428.1).
Genomic context (GRCh38, chr2:29,233,566, plus strand): 5'-AGGCTCTGACATTGCAGATGCACAGGAACCTGGTGGAAATCTGGCAGCACACACCATACC[T>G]TAAATACGTAGGTGGCTCCACCCCCTCCTCCTCCGCCTCCTGCCCACTCATGCACGCTTC-3'
Protein context (NP_004295.2, residues 819-839): GGGGGATYVF[Lys829Thr]MKDGVPVPLI